The following is an entry in ClinVar:

ClinVar aggregate classification (germline): Uncertain significance (1 of 4 stars; one submission).

Conditions:
Kabuki syndrome. Also called: NIIKAWA-KUROKI SYNDROME; Kabuki make-up syndrome. Identifiers: Orphanet 2322, MedGen C0796004, MONDO:0016512.

Allele frequency attached by ClinVar (database versions not stated): gnomAD exomes below 0.00001.
gnomAD v4.1: 1 of 1,613,608 alleles (0.000062%); highest among the groups gnomAD compares: Non-Finnish European, 0.000085%; no homozygotes.

Submission:

Labcorp Genetics (formerly Invitae), Labcorp
Classification: Uncertain significance for Kabuki syndrome. Last evaluated: 2022-11-14. Review status: criteria provided, single submitter. Criteria: Invitae Variant Classification Sherloc (09022015). Collection method: clinical testing. Allele origin: germline.
Comment: ClinVar contains an entry for this variant (Variation ID: 1346562). This variant has not been reported in the literature in individuals affected with KMT2D-related conditions. This variant is not present in population databases (gnomAD no frequency). This sequence change replaces serine, which is neutral and polar, with phenylalanine, which is neutral and non-polar, at codon 2336 of the KMT2D protein (p.Ser2336Phe). Advanced modeling of protein sequence and biophysical properties (such as structural, functional, and spatial information, amino acid conservation, physicochemical variation, residue mobility, and thermodynamic stability) performed at Invitae indicates that this missense variant is not expected to disrupt KMT2D protein function. In summary, the available evidence is currently insufficient to determine the role of this variant in disease. Therefore, it has been classified as a Variant of Uncertain Significance.

NM_003482.4(KMT2D):c.7007C>T (p.Ser2336Phe)

Gene: KMT2D (lysine methyltransferase 2D; minus strand). Cytogenetic location: 12q13.12.
Variant type: single nucleotide variant.
Coding change: c.7007C>T on transcript NM_003482.4 (MANE Select); coding-DNA position 7007, C replaced by T.
Protein change: p.Ser2336Phe; replaces serine 2336 with phenylalanine.
Molecular consequence: missense variant.
Genome position (GRCh38, 1-based): chr12:49,040,763, G>A on the plus strand (C>T on the coding strand, the complement: KMT2D is on the minus strand). VCF-style: chr12-49040763-G-A. GRCh37 (hg19) VCF-style: chr12-49434546-G-A.
Other names: short protein forms S2336F.
Identifiers: ClinVar variation 1346562 (VCV001346562.6), dbSNP rs2120534247, ClinGen allele CA384749110.
Genomic context (GRCh38, chr12:49,040,763, plus strand): 5'-TGGGCAGGGGGTGGCTCCTGGGGCCTTAGGCCCAAGCCCGGGCTCTGGGGCTCTACCTGA[G>A]ATGCCCGAGGGGTCAGGGGGGCTTTGAAGACATCAGGTGTCTTTAACTCCAGGCCACCCA-3'
Protein context (NP_003473.3, residues 2326-2346): VFKAPLTPRA[Ser2336Phe]QVEPQSPGLG